The following is an entry in ClinVar:

NM_014727.3(KMT2B):c.4955G>A (p.Gly1652Asp)

Gene: KMT2B (lysine methyltransferase 2B; plus strand). Cytogenetic location: 19q13.12.
Variant type: single nucleotide variant.
Coding change: c.4955G>A on transcript NM_014727.3 (MANE Select); coding-DNA position 4955, G replaced by A.
Protein change: p.Gly1652Asp; replaces glycine 1652 with aspartic acid.
Molecular consequence: missense variant.
Genome position (GRCh38, 1-based): chr19:35,730,004, G>A. VCF-style: chr19-35730004-G-A. GRCh37 (hg19) VCF-style: chr19-36220905-G-A.
Other names: NM_014727.2:n.4955G>A(p.Gly1652Asp); short protein forms G1652D.
Identifiers: ClinVar variation 549493 (VCV000549493.3), dbSNP rs1555731832, ClinGen allele CA405418811.

ClinVar aggregate classification (germline): Uncertain significance. Review status: criteria provided, single submitter (1 of 4 stars). 2 submissions from 2 submitters: Uncertain significance (1). 1 of the submissions does not count toward it. Last evaluated 2018-04-16.

Conditions:
Dystonia 28, childhood-onset (DYT28). Also called: KMT2B-Related Dystonia (DYT-KMT2B). Identifiers: Orphanet 589618, MedGen C4310633, MONDO:0015004, OMIM 617284.
Dysarthria. Identifiers: MedGen C0013362, HP:0001260.
Incoordination. Also called: lack of coordination; Poor coordination; Poor motor coordination. Identifiers: MedGen C0563243, HP:0002311.
Generalized dystonia. Also called: Generalized isolated dystonia. Identifiers: Orphanet 376724, MedGen C1848954, MONDO:0000476, HP:0007325.

Submissions (2):

SIB Swiss Institute of Bioinformatics
Classification: Uncertain significance for Dystonia 28, childhood-onset. Last evaluated: 2018-04-16. Review status: criteria provided, single submitter. Criteria: ACMG Guidelines, 2015. Collection method: curation. Allele origin: germline.
Comment: This variant is interpreted as a Uncertain Significance, for Dystonia 28, childhood-onset, Autosomal Dominant inheritance. The following ACMG Tag(s) were applied: PM2 => Absent from controls (or at extremely low frequency if recessive) in Exome Sequencing Project, 1000 Genomes Project, or Exome Aggregation Consortium. PM6 => Assumed de novo, but without confirmation of paternity and maternity (PMID:27992417). PP3 => Multiple lines of computational evidence support a deleterious effect on the gene or gene product.

NIHR Bioresource Rare Diseases, University of Cambridge
Classification: Likely pathogenic for Dysarthria; Generalized dystonia; Incoordination. Review status: no assertion criteria provided. Collection method: research. Allele origin: unknown. Affected: yes. Observed: 1 variant allele. Not counted in ClinVar's aggregate classification.

Literature cited by the submitters: PubMed 27992417 (cited by SIB Swiss Institute of Bioinformatics); PubMed 32581362 (cited by NIHR Bioresource Rare Diseases, University of Cambridge).